The following is an entry in ClinVar:

ClinVar aggregate classification (germline): Uncertain significance (1 of 4 stars; one submission).

Conditions:
Renal coloboma syndrome (PAPRS). Also called: OPTIC COLOBOMA, VESICOURETERAL REFLUX, AND RENAL ANOMALIES; OPTIC NERVE COLOBOMA WITH RENAL DISEASE; RENAL-COLOBOMA SYNDROME WITH MACULAR ABNORMALITIES; CONGENITAL ANOMALIES OF THE KIDNEY AND URINARY TRACT WITH OR WITHOUT OCULAR ABNORMALITIES; CAKUT WITH OR WITHOUT OCULAR ABNORMALITIES; PAPILLORENAL SYNDROME. Identifiers: Orphanet 1475, MedGen C1852759, MONDO:0007352, OMIM 120330.
Focal segmental glomerulosclerosis 7 (FSGS7). Identifiers: Orphanet 656, MedGen C4014925, MONDO:0014451, OMIM 616002.

Submission:

Labcorp Genetics (formerly Invitae), Labcorp
Classification: Uncertain significance for Renal coloboma syndrome; Focal segmental glomerulosclerosis 7. Last evaluated: 2025-10-13. Review status: criteria provided, single submitter. Criteria: Invitae Variant Classification Sherloc (09022015). Collection method: clinical testing. Allele origin: germline.
Comment: This variant, c.221_223del, is a complex sequence change that results in the deletion of 2 and insertion of 1 amino acid(s) in the PAX2 protein (p.Glu74_Thr75delinsAla). This variant is not present in population databases (gnomAD no frequency). This variant has not been reported in the literature in individuals affected with PAX2-related conditions. ClinVar contains an entry for this variant (Variation ID: 2022165). Experimental studies and prediction algorithms are not available or were not evaluated, and the functional significance of this variant is currently unknown. In summary, the available evidence is currently insufficient to determine the role of this variant in disease. Therefore, it has been classified as a Variant of Uncertain Significance.

NM_000278.5(PAX2):c.221_223del (p.Glu74_Thr75delinsAla)

Gene: PAX2 (paired box 2; plus strand). Cytogenetic location: 10q24.31.
Variant type: Deletion.
Coding change: c.221_223del on transcript NM_000278.5 (MANE Select); coding-DNA positions 221 to 223, 3 bases deleted (AGA; older notation c.221_223delAGA).
Protein change: p.Glu74_Thr75delinsAla.
Molecular consequence: inframe indel.
Genome position (GRCh38, 1-based): chr10:100,750,702-100,750,704, AGA deleted. VCF-style (leftmost placement, unchanged base first): chr10-100750701-GAGA-G. GRCh37 (hg19) VCF-style: chr10-102510458-GAGA-G.
Other names: c.314_316del, p.Glu105_Thr106delinsAla (NM_001304569.2); c.221_223del, p.Glu74_Thr75delinsAla (NM_003987.5, NM_003988.5, NM_003989.5 and 1 more transcripts).
Identifiers: ClinVar variation 2022165 (VCV002022165.4), dbSNP rs2492898809, ClinGen allele CA2580081092.